The following is an entry in ClinVar:

ClinVar aggregate classification (germline): Pathogenic (1 of 4 stars; one submission).

Conditions:
Anophthalmia-microphthalmia syndrome. Also called: Anophthalmia - microphthalmia; Anophthalmia/Microphthalmia. Identifiers: Orphanet 98555, MedGen C5680330, MONDO:0020147.

Submission:

Labcorp Genetics (formerly Invitae), Labcorp
Classification: Pathogenic for Anophthalmia-microphthalmia syndrome. Last evaluated: 2022-03-04. Review status: criteria provided, single submitter. Criteria: Invitae Variant Classification Sherloc (09022015). Collection method: clinical testing. Allele origin: germline.
Comment: This sequence change creates a premature translational stop signal (p.Thr43Argfs*8) in the OTX2 gene. It is expected to result in an absent or disrupted protein product. Loss-of-function variants in OTX2 are known to be pathogenic (PMID: 15846561, 20486942, 22577225, 24167467). This variant is not present in population databases (gnomAD no frequency). This variant has not been reported in the literature in individuals affected with OTX2-related conditions. For these reasons, this variant has been classified as Pathogenic.

Literature cited by the submitters: PubMed 15846561; PubMed 20486942; PubMed 22577225; PubMed 24167467.

NM_021728.4(OTX2):c.150del (p.Thr51fs)

Gene: OTX2 (orthodenticle homeobox 2; minus strand). Cytogenetic location: 14q22.3.
Variant type: Deletion.
Coding change: c.150del on transcript NM_021728.4 (MANE Select); coding-DNA position 150, one base deleted (G; older notation c.150delG).
Protein change: p.Thr51fs; shifts the reading frame from threonine 51.
Molecular consequence: frameshift variant.
Genome position (GRCh38, 1-based): chr14:56,804,311, C deleted on the plus strand (G on the coding strand, the reverse complement: OTX2 is on the minus strand); the first of 2 consecutive C bases (chr14:56,804,311-56,804,312); deleting either gives the same sequence. VCF-style (leftmost placement, unchanged base first): chr14-56804310-TC-T. GRCh37 (hg19) VCF-style: chr14-57271028-TC-T.
Other names: c.126del, p.Thr43fs (NM_001270523.2, NM_001270524.2, NM_172337.3); c.150del, p.Thr51fs (NM_001270525.2); short protein forms T43fs, T51fs.
Identifiers: ClinVar variation 2106827 (VCV002106827.4), dbSNP rs2503908103, ClinGen allele CA2580088272.